The following is an entry in ClinVar:

NM_014639.4(SKIC3):c.4058dup (p.Leu1353fs)

Gene: SKIC3 (SKI3 subunit of superkiller complex; minus strand). Cytogenetic location: 5q15.
Variant type: Duplication.
Coding change: c.4058dup on transcript NM_014639.4 (MANE Select); coding-DNA position 4058, one base duplicated (T; older notation c.4058dupT).
Protein change: p.Leu1353fs; shifts the reading frame from leucine 1353.
Molecular consequence: frameshift variant.
Genome position (GRCh38, 1-based): chr5:95,482,627, A duplicated on the plus strand (T on the coding strand, the reverse complement: SKIC3 is on the minus strand); the first of 3 consecutive A bases (chr5:95,482,627-95,482,629); duplicating any one gives the same sequence. VCF-style (leftmost placement, unchanged base first): chr5-95482626-T-TA. GRCh37 (hg19) VCF-style: chr5-94818330-T-TA.
Other names: short protein forms L1353fs.
Identifiers: ClinVar variation 4729783 (VCV004729783.1).

ClinVar aggregate classification (germline): Pathogenic (1 of 4 stars; one submission).

Submission:

Labcorp Genetics (formerly Invitae), Labcorp
Classification: Pathogenic. Last evaluated: 2025-10-24. Review status: criteria provided, single submitter. Criteria: Invitae Variant Classification Sherloc (09022015). Collection method: clinical testing. Allele origin: germline.
Comment: This sequence change creates a premature translational stop signal (p.Leu1353Phefs*4) in the TTC37 gene. It is expected to result in an absent or disrupted protein product. Loss-of-function variants in TTC37 are known to be pathogenic (PMID: 20176027, 21120949). This variant is not present in population databases (gnomAD no frequency). This variant has not been reported in the literature in individuals affected with TTC37-related conditions. For these reasons, this variant has been classified as Pathogenic.

Literature cited by the submitters: PubMed 20176027; PubMed 21120949.